The following is an entry in ClinVar:

ClinVar aggregate classification (germline): Conflicting classifications of pathogenicity. Review status: criteria provided, conflicting classifications (1 of 4 stars). 10 submissions from 10 submitters: Uncertain significance (2); Benign (3); Likely benign (2). 3 of the submissions do not count toward it. Last evaluated 2025-12-06.

Conditions:
History of neurodevelopmental disorder. Identifiers: MedGen C2711754.
Charcot-Marie-Tooth disease. Also called: Charcot-Marie-Tooth Neuropathy; Charcot-Marie-Tooth Hereditary Neuropathy. Identifiers: Orphanet 166, MedGen C0007959, MONDO:0015626.

Allele frequency attached by ClinVar (database versions not stated): 1000 Genomes Project 30x 0.00021; 1000 Genomes Project 0.00026; TOPMed 0.00084; ESP Exome Variant Server 0.00085; gnomAD 0.00115 and 0.00122; gnomAD exomes 0.00124 and 0.00126; ExAC 0.00128.

Submissions (10):

Mayo Clinic Laboratories, Mayo Clinic
Classification: Likely benign. Last evaluated: 2025-12-06. Review status: criteria provided, single submitter. Criteria: ACMG Guidelines, 2015. Collection method: clinical testing. Allele origin: germline. Observed: 1 variant allele.
Comment: BS2, BP4

Blueprint Genetics
Classification: Likely benign. Last evaluated: 2024-11-28. Review status: criteria provided, single submitter. Criteria: ACMG Guidelines, 2015. Collection method: clinical testing. Allele origin: germline.

Labcorp Genetics (formerly Invitae), Labcorp
Classification: Benign. Last evaluated: 2019-12-31. Review status: criteria provided, single submitter. Criteria: Invitae Variant Classification Sherloc (09022015). Collection method: clinical testing. Allele origin: germline.

Cambridge Genomics Laboratory, East Genomic Laboratory Hub, NHS Genomic Medicine Service
Classification: Benign for Charcot-Marie-Tooth disease. Last evaluated: 2019-12-11. Review status: criteria provided, single submitter. Criteria: ACGS Best Practice Guidelines for Variant Classification in Rare Disease 2020. Collection method: clinical testing. Allele origin: germline. Affected: yes. Observed: 1 variant allele.

Genetic Services Laboratory, University of Chicago
Classification: Benign. Last evaluated: 2019-10-10. Review status: criteria provided, single submitter. Criteria: ACMG Guidelines, 2015. Collection method: clinical testing. Allele origin: germline. Affected: no.

CeGaT Center for Human Genetics Tuebingen
Classification: Uncertain significance. Last evaluated: 2016-06-01. Review status: criteria provided, single submitter. Criteria: CeGaT Center For Human Genetics Tuebingen Variant Classification Criteria Version 2. Collection method: clinical testing. Allele origin: germline. Affected: yes. Observed: 1 variant allele.

Ambry Genetics
Classification: Uncertain significance for History of neurodevelopmental disorder. Last evaluated: 2012-09-12. Review status: criteria provided, single submitter. Criteria: Ambry Autosomal Dominant and X-Linked criteria (10/2015). Collection method: clinical testing. Allele origin: germline. Observed: 1 variant allele.
Comment: There is insufficient or conflicting evidence for classification of this alteration.

Clinical Genetics DNA and cytogenetics Diagnostics Lab, Erasmus MC, Erasmus Medical Center
Classification: Likely benign. Review status: no assertion criteria provided. Collection method: clinical testing. Allele origin: germline. Affected: yes. Study: VKGL Data-share Consensus. Not counted in ClinVar's aggregate classification.

Genome Diagnostics Laboratory, University Medical Center Utrecht
Classification: Likely benign. Review status: no assertion criteria provided. Collection method: clinical testing. Allele origin: germline. Affected: yes. Study: VKGL Data-share Consensus. Not counted in ClinVar's aggregate classification.

Laboratory of Diagnostic Genome Analysis, Leiden University Medical Center (LUMC)
Classification: Likely benign. Review status: no assertion criteria provided. Collection method: clinical testing. Allele origin: germline. Affected: yes. Study: VKGL Data-share Consensus. Not counted in ClinVar's aggregate classification.

Literature cited by the submitters: PubMed 24721225 (cited by Mayo Clinic Laboratories, Mayo Clinic).

NM_003179.3(SYP):c.877G>A (p.Gly293Ser)

Gene: SYP (synaptophysin; minus strand). Cytogenetic location: Xp11.23.
Variant type: single nucleotide variant.
Coding change: c.877G>A on transcript NM_003179.3 (MANE Select); coding-DNA position 877, G replaced by A.
Protein change: p.Gly293Ser; replaces glycine 293 with serine.
Molecular consequence: missense variant.
Genome position (GRCh38, 1-based): chrX:49,191,502, C>T on the plus strand (G>A on the coding strand, the complement: SYP is on the minus strand). VCF-style: chrX-49191502-C-T. GRCh37 (hg19) VCF-style: chrX-49047959-C-T.
Other names: short protein forms G293S.
Identifiers: ClinVar variation 368465 (VCV000368465.57), dbSNP rs139475570, ClinGen allele CA10409699.